The following is an entry in ClinVar:

ClinVar aggregate classification (germline): Likely benign. Review status: criteria provided, multiple submitters, no conflicts (2 of 4 stars). 5 submissions from 5 submitters: Likely benign (5). Last evaluated 2026-08-01.

Conditions:
Cardiovascular phenotype. Identifiers: MedGen CN230736.
Catecholaminergic polymorphic ventricular tachycardia 2. Also called: CASQ2-Related Catecholaminergic Polymorphic Ventricular Tachycardia; VENTRICULAR TACHYCARDIA, STRESS-INDUCED POLYMORPHIC 2. Identifiers: Orphanet 3286, MedGen C2677794, MONDO:0012762, OMIM 611938.
Catecholaminergic polymorphic ventricular tachycardia 1. Also called: VENTRICULAR TACHYCARDIA, CATECHOLAMINERGIC POLYMORPHIC, 1, WITH OR WITHOUT ATRIAL DYSFUNCTION AND/OR DILATED CARDIOMYOPATHY; RYR2-Related Catecholaminergic Polymorphic Ventricular Tachycardia; VENTRICULAR TACHYCARDIA, STRESS-INDUCED POLYMORPHIC 1. Identifiers: Orphanet 3286, MedGen C1631597, MONDO:0011484, OMIM 604772.

Allele frequency attached by ClinVar (database versions not stated): gnomAD 0.00001; gnomAD exomes 0.00002 and 0.00011; TOPMed 0.00003; ExAC 0.00010.
gnomAD v4.1: 30 of 1,580,790 alleles (0.0019%); highest among the groups gnomAD compares: Admixed American, 0.051%; no homozygotes.

Submissions (5):

CeGaT Center for Human Genetics Tuebingen
Classification: Likely benign. Last evaluated: 2026-08-01. Review status: criteria provided, single submitter. Criteria: CeGaT Center For Human Genetics Tuebingen Variant Classification Criteria Version 2. Collection method: clinical testing. Allele origin: germline. Affected: yes. Observed: 3 variant alleles.
Comment: CASQ2: BP4, BP7

Labcorp Genetics (formerly Invitae), Labcorp
Classification: Likely benign for Catecholaminergic polymorphic ventricular tachycardia 1. Last evaluated: 2025-02-07. Review status: criteria provided, single submitter. Criteria: Invitae Variant Classification Sherloc (09022015). Collection method: clinical testing. Allele origin: germline.

Genome-Nilou Lab
Classification: Likely benign for Catecholaminergic polymorphic ventricular tachycardia 2. Last evaluated: 2023-04-11. Review status: criteria provided, single submitter. Criteria: ACMG Guidelines, 2015. Collection method: clinical testing. Allele origin: germline. Affected: no.

GeneDx
Classification: Likely benign. Last evaluated: 2018-01-29. Review status: criteria provided, single submitter. Criteria: GeneDx Variant Classification (06012015). Collection method: clinical testing. Allele origin: germline. Affected: yes.
Comment: This variant is considered likely benign or benign based on one or more of the following criteria: it is a conservative change, it occurs at a poorly conserved position in the protein, it is predicted to be benign by multiple in silico algorithms, and/or has population frequency not consistent with disease.

Ambry Genetics
Classification: Likely benign for Cardiovascular phenotype. Last evaluated: 2017-10-17. Review status: criteria provided, single submitter. Criteria: Ambry Variant Classification Scheme 2023. Collection method: clinical testing. Allele origin: germline.

NM_001232.4(CASQ2):c.702A>G (p.Glu234=)

Gene: CASQ2 (calsequestrin 2; minus strand). Cytogenetic location: 1p13.1.
Variant type: single nucleotide variant.
Coding change: c.702A>G on transcript NM_001232.4 (MANE Select); coding-DNA position 702, A replaced by G.
Protein change: p.Glu234=; no amino-acid change (glutamic acid 234 retained).
Molecular consequence: synonymous variant.
Genome position (GRCh38, 1-based): chr1:115,727,027, T>C on the plus strand (A>G on the coding strand, the complement: CASQ2 is on the minus strand). VCF-style: chr1-115727027-T-C. GRCh37 (hg19) VCF-style: chr1-116269648-T-C.
Identifiers: ClinVar variation 463662 (VCV000463662.24), dbSNP rs756693726, ClinGen allele CA1023818.